The following is an entry in ClinVar:

NM_019032.6(ADAMTSL4):c.159G>A (p.Trp53Ter)

Genes: ADAMTSL4 (ADAMTS like 4; plus strand), ADAMTSL4-AS2 (ADAMTSL4 antisense RNA 2; minus strand). Cytogenetic location: 1q21.2.
Variant type: single nucleotide variant.
Coding change: c.159G>A on transcript NM_019032.6 (MANE Select); coding-DNA position 159, G replaced by A.
Protein change: p.Trp53Ter; replaces tryptophan 53 with a stop codon.
Molecular consequence: nonsense.
Genome position (GRCh38, 1-based): chr1:150,552,978, G>A. VCF-style: chr1-150552978-G-A. GRCh37 (hg19) VCF-style: chr1-150525454-G-A.
Other names: c.159G>A, p.Trp53Ter (NM_001288607.2, NM_001288608.2, NM_001378596.1 and 1 more transcripts); short protein forms W53*.
Identifiers: ClinVar variation 2846982 (VCV002846982.3), dbSNP rs2526585174, ClinGen allele CA342298364.

ClinVar aggregate classification (germline): Pathogenic (1 of 4 stars; one submission).

Submission:

Labcorp Genetics (formerly Invitae), Labcorp
Classification: Pathogenic. Last evaluated: 2023-04-14. Review status: criteria provided, single submitter. Criteria: Invitae Variant Classification Sherloc (09022015). Collection method: clinical testing. Allele origin: germline.
Comment: For these reasons, this variant has been classified as Pathogenic. This variant has not been reported in the literature in individuals affected with ADAMTSL4-related conditions. This variant is not present in population databases (gnomAD no frequency). This sequence change creates a premature translational stop signal (p.Trp53*) in the ADAMTSL4 gene. It is expected to result in an absent or disrupted protein product. Loss-of-function variants in ADAMTSL4 are known to be pathogenic (PMID: 20564469, 28642162).

Literature cited by the submitters: PubMed 20564469; PubMed 28642162.